The following is an entry in ClinVar:

ClinVar aggregate classification (germline): Uncertain significance (1 of 4 stars; one submission).

gnomAD v4.1: 1 of 1,611,258 alleles (0.000062%); highest among the groups gnomAD compares: South Asian, 0.0011%; no homozygotes.

Submission:

Labcorp Genetics (formerly Invitae), Labcorp
Classification: Uncertain significance. Last evaluated: 2025-07-08. Review status: criteria provided, single submitter. Criteria: Invitae Variant Classification Sherloc (09022015). Collection method: clinical testing. Allele origin: germline.
Comment: This sequence change replaces isoleucine, which is neutral and non-polar, with valine, which is neutral and non-polar, at codon 27 of the MAP3K8 protein (p.Ile27Val). This variant is not present in population databases (gnomAD no frequency). This variant has not been reported in the literature in individuals affected with MAP3K8-related conditions. An algorithm developed to predict the effect of missense changes on protein structure and function (PolyPhen-2) suggests that this variant is likely to be tolerated. In summary, the available evidence is currently insufficient to determine the role of this variant in disease. Therefore, it has been classified as a Variant of Uncertain Significance.

NM_005204.4(MAP3K8):c.79A>G (p.Ile27Val)

Gene: MAP3K8 (mitogen-activated protein kinase kinase kinase 8; plus strand). Cytogenetic location: 10p11.23.
Variant type: single nucleotide variant.
Coding change: c.79A>G on transcript NM_005204.4 (MANE Select); coding-DNA position 79, A replaced by G.
Protein change: p.Ile27Val; replaces isoleucine 27 with valine.
Molecular consequence: missense variant.
Genome position (GRCh38, 1-based): chr10:30,439,017, A>G. VCF-style: chr10-30439017-A-G. GRCh37 (hg19) VCF-style: chr10-30727946-A-G.
Other names: c.79A>G, p.Ile27Val (NM_001244134.1, NM_001320961.2); short protein forms I27V.
Identifiers: ClinVar variation 4804372 (VCV004804372.1).